The following is an entry in ClinVar:

ClinVar aggregate classification (germline): Benign/Likely benign. Review status: criteria provided, multiple submitters, no conflicts (2 of 4 stars). 3 submissions from 3 submitters: Benign (2); Likely benign (1). Last evaluated 2026-03-01.

gnomAD v4.1: 351 of 1,597,254 alleles (0.022%); highest among the groups gnomAD compares: South Asian, 0.31%; 3 homozygotes.

Submissions (3):

CeGaT Center for Human Genetics Tuebingen
Classification: Benign. Last evaluated: 2026-03-01. Review status: criteria provided, single submitter. Criteria: CeGaT Center For Human Genetics Tuebingen Variant Classification Criteria Version 2. Collection method: clinical testing. Allele origin: germline. Affected: yes. Observed: 1 variant allele.
Comment: POGZ: BS1, BS2

Blueprint Genetics
Classification: Likely benign. Last evaluated: 2023-10-25. Review status: criteria provided, single submitter. Criteria: ACMG Guidelines, 2015. Collection method: clinical testing. Allele origin: germline.

GeneDx
Classification: Benign. Last evaluated: 2021-01-19. Review status: criteria provided, single submitter. Criteria: GeneDx Variant Classification Process June 2021. Collection method: clinical testing. Allele origin: germline. Affected: yes.

NM_015100.4(POGZ):c.1524-10T>A

Gene: POGZ (pogo transposable element derived with ZNF domain; minus strand). Cytogenetic location: 1q21.3.
Variant type: single nucleotide variant.
Coding change: c.1524-10T>A on transcript NM_015100.4 (MANE Select); 10 bases into the intron before coding-DNA position 1524, T replaced by A.
Molecular consequence: intron variant.
Genome position (GRCh38, 1-based): chr1:151,423,561, A>T on the plus strand (T>A on the coding strand, the complement: POGZ is on the minus strand). VCF-style: chr1-151423561-A-T. GRCh37 (hg19) VCF-style: chr1-151396037-A-T.
Other names: c.1338-10T>A (NM_001194938.2); c.1239-10T>A (NM_145796.4); c.1497-10T>A (NM_001194937.2); c.1365-10T>A (NM_207171.2).
Identifiers: ClinVar variation 1232129 (VCV001232129.8), dbSNP rs2274534, ClinGen allele CA1091411.